The following is an entry in ClinVar:

NM_002230.4(JUP):c.754A>G (p.Asn252Asp)

Gene: JUP (junction plakoglobin; minus strand). Cytogenetic location: 17q21.2.
Variant type: single nucleotide variant.
Coding change: c.754A>G on transcript NM_002230.4 (MANE Select); coding-DNA position 754, A replaced by G.
Protein change: p.Asn252Asp; replaces asparagine 252 with aspartic acid.
Molecular consequence: missense variant.
Genome position (GRCh38, 1-based): chr17:41,767,534, T>C on the plus strand (A>G on the coding strand, the complement: JUP is on the minus strand). VCF-style: chr17-41767534-T-C. GRCh37 (hg19) VCF-style: chr17-39923786-T-C.
Other names: c.754A>G, p.Asn252Asp (NM_001352773.2, NM_001352774.2, NM_001352775.2 and 3 more transcripts); short protein forms N252D.
Identifiers: ClinVar variation 855914 (VCV000855914.4), dbSNP rs1915923358, ClinGen allele CA399501505.

ClinVar aggregate classification (germline): Uncertain significance. Review status: criteria provided, multiple submitters, no conflicts (2 of 4 stars). 2 submissions from 2 submitters: Uncertain significance (2). Last evaluated 2024-12-15.

Conditions:
Arrhythmogenic right ventricular dysplasia 12. Also called: ARRHYTHMOGENIC RIGHT VENTRICULAR DYSPLASIA, FAMILIAL, 12. Identifiers: MedGen C1969081, MONDO:0012684, OMIM 611528.
Naxos disease (NXD). Also called: KERATOSIS PALMOPLANTARIS WITH ARRHYTHMOGENIC CARDIOMYOPATHY; MAL DE NAXOS; PALMOPLANTAR KERATODERMA WITH ARRHYTHMOGENIC RIGHT VENTRICULAR CARDIOMYOPATHY AND WOOLLY HAIR; CARDIOMYOPATHY, ARRHYTHMOGENIC RIGHT VENTRICULAR, WITH SKIN, HAIR, AND NAIL ABNORMALITIES; WOOLLY HAIR, PALMOPLANTAR KERATODERMA, AND CARDIAC ABNORMALITIES. Identifiers: Orphanet 34217, MedGen C1832600, MONDO:0011017, OMIM 601214.

Allele frequency attached by ClinVar (database versions not stated): gnomAD exomes 0.00001.
gnomAD v4.1: 7 of 1,598,234 alleles (0.00044%); highest among the groups gnomAD compares: Middle Eastern, 0.12%; no homozygotes.

Submissions (2):

Labcorp Genetics (formerly Invitae), Labcorp
Classification: Uncertain significance for Arrhythmogenic right ventricular dysplasia 12; Naxos disease. Last evaluated: 2024-12-15. Review status: criteria provided, single submitter. Criteria: Invitae Variant Classification Sherloc (09022015). Collection method: clinical testing. Allele origin: germline.
Comment: This sequence change replaces asparagine, which is neutral and polar, with aspartic acid, which is acidic and polar, at codon 252 of the JUP protein (p.Asn252Asp). This variant is not present in population databases (gnomAD no frequency). This variant has not been reported in the literature in individuals affected with JUP-related conditions. ClinVar contains an entry for this variant (Variation ID: 855914). An algorithm developed to predict the effect of missense changes on protein structure and function (PolyPhen-2) suggests that this variant is likely to be disruptive. In summary, the available evidence is currently insufficient to determine the role of this variant in disease. Therefore, it has been classified as a Variant of Uncertain Significance.

Fulgent Genetics
Classification: Uncertain significance for Naxos disease; Arrhythmogenic right ventricular dysplasia 12. Last evaluated: 2021-08-27. Review status: criteria provided, single submitter. Criteria: ACMG Guidelines, 2015. Collection method: clinical testing. Allele origin: unknown.